The following is an entry in ClinVar:

NM_003803.4(MYOM1):c.1339G>A (p.Gly447Arg)

Gene: MYOM1 (myomesin 1; minus strand). Cytogenetic location: 18p11.31.
Variant type: single nucleotide variant.
Coding change: c.1339G>A on transcript NM_003803.4 (MANE Select); coding-DNA position 1339, G replaced by A.
Protein change: p.Gly447Arg; replaces glycine 447 with arginine.
Molecular consequence: missense variant.
Genome position (GRCh38, 1-based): chr18:3,168,817, C>T on the plus strand (G>A on the coding strand, the complement: MYOM1 is on the minus strand). VCF-style: chr18-3168817-C-T. GRCh37 (hg19) VCF-style: chr18-3168815-C-T.
Other names: c.1339G>A, p.Gly447Arg (NM_019856.2); short protein forms G447R.
Identifiers: ClinVar variation 844764 (VCV000844764.9), dbSNP rs768549156, ClinGen allele CA8874987.
Genomic context (GRCh38, chr18:3,168,817, plus strand): 5'-GCAATCTGGTCTACAACCTTCGAATAAGAACCTAAGTGAGCATTCATTGTAAAGACTCAC[C>T]GTTTCTGTACCACTGGATCTCTGGCTGGAAATGTTTAATTTCAGGAGTGATGACAACACG-3'
Protein context (NP_003794.3, residues 437-457): FQPEIQWYRN[Gly447Arg]VPLSPSKWVQ

ClinVar aggregate classification (germline): Uncertain significance (1 of 4 stars; one submission).

Conditions:
Hypertrophic cardiomyopathy. Also called: HYPERTROPHIC MYOCARDIOPATHY. Identifiers: Orphanet 217569, MedGen C0007194, MeSH D002312, MONDO:0005045, HP:0001639.

Allele frequency attached by ClinVar (database versions not stated): gnomAD exomes below 0.00001 and 0.00001; ExAC 0.00001; gnomAD 0.00001; TOPMed 0.00003.

Submission:

Labcorp Genetics (formerly Invitae), Labcorp
Classification: Uncertain significance for Hypertrophic cardiomyopathy. Last evaluated: 2025-08-17. Review status: criteria provided, single submitter. Criteria: Invitae Variant Classification Sherloc (09022015). Collection method: clinical testing. Allele origin: germline.
Comment: This sequence change replaces glycine, which is neutral and non-polar, with arginine, which is basic and polar, at codon 447 of the MYOM1 protein (p.Gly447Arg). This variant also falls at the last nucleotide of exon 9, which is part of the consensus splice site for this exon. This variant is present in population databases (rs768549156, gnomAD 0.007%). This variant has not been reported in the literature in individuals affected with MYOM1-related conditions. ClinVar contains an entry for this variant (Variation ID: 844764). An algorithm developed to predict the effect of missense changes on protein structure and function (PolyPhen-2) suggests that this variant is likely to be disruptive. Variants that disrupt the consensus splice site are a relatively common cause of aberrant splicing (PMID: 17576681, 9536098). Algorithms developed to predict the effect of sequence changes on RNA splicing suggest that this variant may disrupt the consensus splice site. In summary, the available evidence is currently insufficient to determine the role of this variant in disease. Therefore, it has been classified as a Variant of Uncertain Significance.

Literature cited by the submitters: PubMed 17576681; PubMed 9536098.